The following is an entry in ClinVar:

NM_025179.4(PLXNA2):c.2791C>T (p.Arg931Cys)

Gene: PLXNA2 (plexin A2; minus strand). Cytogenetic location: 1q32.2.
Variant type: single nucleotide variant.
Coding change: c.2791C>T on transcript NM_025179.4 (MANE Select); coding-DNA position 2791, C replaced by T.
Protein change: p.Arg931Cys; replaces arginine 931 with cysteine.
Molecular consequence: missense variant.
Genome position (GRCh38, 1-based): chr1:208,054,486, G>A on the plus strand (C>T on the coding strand, the complement: PLXNA2 is on the minus strand). VCF-style: chr1-208054486-G-A. GRCh37 (hg19) VCF-style: chr1-208227831-G-A.
Other names: c.2791C>T (NM_025179.3); short protein forms R931C.
Identifiers: ClinVar variation 2187176 (VCV002187176.6), dbSNP rs148647105, ClinGen allele CA1373398.

ClinVar aggregate classification (germline): Uncertain significance. Review status: criteria provided, single submitter (1 of 4 stars). 2 submissions from 2 submitters: Uncertain significance (1). 1 of the submissions does not count toward it. Last evaluated 2022-08-16.

Conditions:
PLXNA2-related disorder. Also called: PLXNA2-related condition.

Allele frequency attached by ClinVar (database versions not stated): ESP Exome Variant Server 0.00008; TOPMed 0.00008; ExAC 0.00009.
gnomAD v4.1: 95 of 1,614,106 alleles (0.0059%); highest among the groups gnomAD compares: East Asian, 0.12%; no homozygotes.

Submissions (2):

Labcorp Genetics (formerly Invitae), Labcorp
Classification: Uncertain significance. Last evaluated: 2022-08-16. Review status: criteria provided, single submitter. Criteria: Invitae Variant Classification Sherloc (09022015). Collection method: clinical testing. Allele origin: germline.
Comment: This variant is present in population databases (rs148647105, gnomAD 0.07%), and has an allele count higher than expected for a pathogenic variant. In summary, the available evidence is currently insufficient to determine the role of this variant in disease. Therefore, it has been classified as a Variant of Uncertain Significance. Algorithms developed to predict the effect of missense changes on protein structure and function are either unavailable or do not agree on the potential impact of this missense change (SIFT: "Tolerated"; PolyPhen-2: "Possibly Damaging"; Align-GVGD: "Class C0"). This variant has not been reported in the literature in individuals affected with PLXNA2-related conditions. This sequence change replaces arginine, which is basic and polar, with cysteine, which is neutral and slightly polar, at codon 931 of the PLXNA2 protein (p.Arg931Cys).

PreventionGenetics, part of Exact Sciences
Classification: Uncertain significance for PLXNA2-related condition. Last evaluated: 2024-09-11. Review status: no assertion criteria provided. Collection method: clinical testing. Allele origin: germline. Not counted in ClinVar's aggregate classification.
Comment: The PLXNA2 c.2791C>T variant is predicted to result in the amino acid substitution p.Arg931Cys. To our knowledge, this variant has not been reported in the literature. This variant is reported in 0.070% of alleles in individuals of East Asian descent in gnomAD. Although we suspect that this variant may be benign, at this time, the clinical significance of this variant is uncertain due to the absence of conclusive functional and genetic evidence.